The following is an entry in ClinVar:

ClinVar aggregate classification (germline): Uncertain significance (1 of 4 stars; one submission).

Conditions:
Familial focal epilepsy with variable foci (FPEVF). Identifiers: Orphanet 98820, MedGen C1858477, MONDO:0020310.

Allele frequency attached by ClinVar (database versions not stated): gnomAD exomes below 0.00001.
gnomAD v4.1: 4 of 1,614,062 alleles (0.00025%); highest among the groups gnomAD compares: Non-Finnish European, 0.00034%; no homozygotes.

Submission:

Labcorp Genetics (formerly Invitae), Labcorp
Classification: Uncertain significance for Familial focal epilepsy with variable foci. Last evaluated: 2023-06-02. Review status: criteria provided, single submitter. Criteria: Invitae Variant Classification Sherloc (09022015). Collection method: clinical testing. Allele origin: germline.
Comment: In summary, the available evidence is currently insufficient to determine the role of this variant in disease. Therefore, it has been classified as a Variant of Uncertain Significance. Experimental studies and prediction algorithms are not available or were not evaluated, and the functional significance of this variant is currently unknown. This variant has not been reported in the literature in individuals affected with DEPDC5-related conditions. This variant is present in population databases (rs763669717, gnomAD 0.0009%). This sequence change replaces histidine, which is basic and polar, with glutamine, which is neutral and polar, at codon 43 of the DEPDC5 protein (p.His43Gln).

NM_001242896.3(DEPDC5):c.129C>A (p.His43Gln)

Gene: DEPDC5 (DEP domain containing 5, GATOR1 subcomplex subunit; plus strand). Cytogenetic location: 22q12.2.
Variant type: single nucleotide variant.
Coding change: c.129C>A on transcript NM_001242896.3 (MANE Select); coding-DNA position 129, C replaced by A.
Protein change: p.His43Gln; replaces histidine 43 with glutamine.
Molecular consequence: missense variant. On other transcripts: non-coding transcript variant (5).
Genome position (GRCh38, 1-based): chr22:31,758,616, C>A. VCF-style: chr22-31758616-C-A. GRCh37 (hg19) VCF-style: chr22-32154602-C-A.
Other names: c.129C>A, p.His43Gln (NM_001007188.4, NM_001136029.4, NM_001242897.2 and 9 more transcripts); short protein forms H43Q.
Identifiers: ClinVar variation 2716931 (VCV002716931.3), dbSNP rs763669717, ClinGen allele CA10195822.
Genomic context (GRCh38, chr22:31,758,616, plus strand): 5'-AGTTGTGAACCCCAAAGTGTTCCCTCACATCAAGCTTGGAGACATTGTAGAGATTGCACA[C>A]CCCAACGATGAATACAGGTGAGTGTCTCATAGGATCCATGGAACTGGGCAATTCACTGTT-3'
Protein context (NP_001229825.1, residues 33-53): IKLGDIVEIA[His43Gln]PNDEYSPLLL